The following continues an entry in ClinVar:

NM_032043.3(BRIP1):c.2392C>T (p.Arg798Ter)

Gene: BRIP1. ClinVar aggregate classification (germline): Pathogenic/Likely pathogenic. Pathogenic (48); Likely pathogenic (2). ClinVar aggregate classification (oncogenicity): Oncogenic.

Submissions 50 to 58 of 58:

Neuberg Centre For Genomic Medicine, NCGM
Classification: Pathogenic for Fanconi anemia complementation group J. Review status: criteria provided, single submitter. Criteria: ACMG Guidelines, 2015. Collection method: clinical testing. Allele origin: germline. Inheritance: Autosomal recessive inheritance. Affected: yes.
Comment: The stop gained c.2392C>T (p.Arg798Ter) variant has been reported to segregate with disease in families affected with Fanconi anemia (Levitus M et al., 2005). The p.Arg798Ter variant is reported with the allele frequency (0.016 %) in the gnomAD and novel in 1000 genome database. This variant has been reported to the ClinVar database as Pathogenic. The nucleotide change c.2392C>T in BRIP1 is predicted as conserved by GERP++ and PhyloP across 100 vertebrates. This variant is predicted to cause loss of normal protein function through protein truncation. Loss of function variants have been previously reported to be disease causing. For these reasons, this variant has been classified as Pathogenic.

University Health Network, Familial Cancer Clinic, Princess Margaret Cancer Centre
Classification: Pathogenic for Familial ovarian cancer. Review status: criteria provided, single submitter. Criteria: ACMG Guidelines, 2015. Collection method: clinical testing. Allele origin: germline. Inheritance: Autosomal dominant inheritance. Affected: yes. Observed: 1 variant allele.

BRCAlab, Lund University
Classification: Pathogenic for Ovarian cancer. Last evaluated: 2022-08-26. Review status: no assertion criteria provided. Collection method: clinical testing. Allele origin: germline. Affected: yes. Not counted in ClinVar's aggregate classification.

Laboratory for Genotyping Development, RIKEN
Classification: Pathogenic for Gastric cancer. Last evaluated: 2021-07-01. Review status: no assertion criteria provided. Collection method: research. Allele origin: germline. Not counted in ClinVar's aggregate classification.

Leiden Open Variation Database
Classification: Pathogenic for Fanconi anemia complementation group J. Last evaluated: 2019-07-20. Review status: no assertion criteria provided. Collection method: curation. Allele origin: germline. Affected: no. Not counted in ClinVar's aggregate classification.
Comment: Curator: Arleen D. Auerbach. Submitters to LOVD: Arleen D. Auerbach, Zdenek Kleibl.

Counsyl
Classification: Likely pathogenic for Fanconi anemia complementation group J. Last evaluated: 2016-08-18. Review status: no assertion criteria provided. Collection method: clinical testing. Allele origin: unknown. Not counted in ClinVar's aggregate classification.

Counsyl
Classification: Likely pathogenic for Ovarian cancer. Last evaluated: 2016-08-18. Review status: no assertion criteria provided. Collection method: clinical testing. Allele origin: unknown. Not counted in ClinVar's aggregate classification.

OMIM
Classification: Pathogenic for FANCONI ANEMIA, COMPLEMENTATION GROUP J. Last evaluated: 2005-09-01. Review status: no assertion criteria provided. Collection method: literature only. Allele origin: germline. Not counted in ClinVar's aggregate classification.

Department of Pathology and Laboratory Medicine, Sinai Health System
Classification: Pathogenic for Malignant tumor of breast. Review status: no assertion criteria provided. Collection method: clinical testing. Allele origin: unknown. Affected: yes. Study: The Canadian Open Genetics Repository (COGR). Not counted in ClinVar's aggregate classification.
Comment: The BRIP1 p.Arg798X variant was identified in 31 of 118976 proband chromosomes (frequency: 0.0003) from families with high risk BRCA1/2/PALB2 negative breast cancer, early-onset or familial breast cancer, ovarian cancer, Lynch syndrome, prostate cancer, or triple negative breast cancer and was identified in 3 of 102538 control chromosomes from healthy individuals (frequency: 0.00003, Lhota 2016, McInerney 2010, Seal 2006, Yurgelun 2015, Kote-Jarai 2009, Leongamornlert 2014, Ramus 2015, Couch 2015). Segregation studies in 1 proband with prostate cancer showed partial segregation of the variant with disease, with 1 affected sibling carrying the variant and the other affected sibling testing negative (Kote-Jarai 2009). Analysis of the variant protein, from lymphoblastoid cell lines, by immunoblotting showed an absence of the protein in both homozygous and heterozygous carriers and absence of homologous recombination (Levran 2005, Litman 2005). cDNA sequencing of 1 proband with Fanconi anemia carrying the variant with a co-occurring BRIP1 variant (IVS17+2insT), identified 3 mRNA transcripts, 2 lacking either exon 17 or 18 and both leading to a frameshift yielding a partial deletion of the helicase motif and BRCA1 binding site (Levitus 2005). The variant was also identified in dbSNP (ID: rs137852986) as â€šÃ„ÃºWith Pathogenic alleleâ€šÃ„Ã¹, ClinVar (with conflicting interpretations of pathogenicity; submitters: pathogenic by GeneDx, Ambry Genetics, Invitae, and 5 additional submitter, as Likely pathogenic by Counsyl, and uncertain significance by Illumina), Cosmic (1x in carcinoma of salivary gland), Zhejiang University Database (20x) and was not identified in MutDB. The variant was identified in control databases in 45 of 273100 chromosomes at a frequency of 0.0002 (Genome Aggregation Database Feb 27, 2017). It was observed in the European Non-Finnish population in 35 of 125106 chromosomes (freq: 0.0003), the African population in 1 of 23852 chromosomes (freq: 0.00004), â€šÃ„ÃºOtherâ€šÃ„Ã¹ in 2 of 6376 chromosomes (freq: 0.0003), Latino in 4 of 33846 chromosomes (freq: 0.0001), East Asian in 1 of 18232 chromosomes (freq: 0.00006), and South Asian in 2 of 30042 chromosomes (freq: 0.00007); it was not observed in the Ashkenazi Jewish, and Finnish populations. The c.2392C>T variant is predicted to lead to a premature stop codon at amino acid position 798 which is predicted to lead to a truncated or absent protein and loss of function. Loss of function variants of the BRIP1 gene are an established mechanism of disease in BRIP1 associated cancer and is the type of variant expected to cause the disorder. In summary, based on the above information this variant is classified as pathogenic.

Literature cited by the submitters: PubMed 16116423 (cited by 14 submitters); PubMed 16116424 (cited by 13 submitters); PubMed 17033622 (cited by 11 submitters); PubMed 19127258 (cited by 9 submitters); PubMed 19763819 (cited by 7 submitters); PubMed 24240112 (cited by 7 submitters); PubMed 24556621 (cited by 11 submitters); PubMed 25980754 (cited by 7 submitters); PubMed 26822949 (cited by 9 submitters); PubMed 21964575 (cited by 5 submitters); PubMed 18628483 (cited by Center for Genomic Medicine, Rigshospitalet, Copenhagen University Hospital and Institute for Genomic Medicine (IGM) Clinical Laboratory, Nationwide Children's Hospital); PubMed 29368626 (cited by 5 submitters); PubMed 3375802 (cited by Color Diagnostics, LLC DBA Color Health); PubMed 26921362 (cited by 5 submitters); PubMed 26968956 (cited by 4 submitters); PubMed 32068069 (cited by Color Diagnostics, LLC DBA Color Health); PubMed 32359370 (cited by 5 submitters); PubMed 16116421 (cited by Quest Diagnostics Nichols Institute San Juan Capistrano); PubMed 26315354 (cited by 4 submitters); PubMed 16153896 (cited by 5 submitters); PubMed 27179029 (cited by Quest Diagnostics Nichols Institute San Juan Capistrano and Women's Health and Genetics/Laboratory Corporation of America, LabCorp); PubMed 26681312 (cited by Quest Diagnostics Nichols Institute San Juan Capistrano and Women's Health and Genetics/Laboratory Corporation of America, LabCorp); PubMed 33758026 (cited by Quest Diagnostics Nichols Institute San Juan Capistrano); PubMed 30322717 (cited by Quest Diagnostics Nichols Institute San Juan Capistrano); PubMed 28125078 (cited by Quest Diagnostics Nichols Institute San Juan Capistrano); PubMed 31822495 (cited by Quest Diagnostics Nichols Institute San Juan Capistrano); PubMed 34326862 (cited by Quest Diagnostics Nichols Institute San Juan Capistrano); PubMed 34585738 (cited by Quest Diagnostics Nichols Institute San Juan Capistrano and Ambry Genetics); PubMed 21345144 (cited by Institute for Genomic Medicine (IGM) Clinical Laboratory, Nationwide Children's Hospital and Ambry Genetics); PubMed 32885271 (cited by Institute for Genomic Medicine (IGM) Clinical Laboratory, Nationwide Children's Hospital and Ambry Genetics); PubMed 34026625 (cited by Institute for Genomic Medicine (IGM) Clinical Laboratory, Nationwide Children's Hospital and Ambry Genetics); PubMed 22006311 (cited by 3 submitters); 17033622 (cited by Rady Children's Institute for Genomic Medicine, Rady Children's Hospital San Diego); 21964575 (cited by Rady Children's Institute for Genomic Medicine, Rady Children's Hospital San Diego); 16116424 (cited by Rady Children's Institute for Genomic Medicine, Rady Children's Hospital San Diego); 19127258 (cited by Rady Children's Institute for Genomic Medicine, Rady Children's Hospital San Diego); 19763819 (cited by Rady Children's Institute for Genomic Medicine, Rady Children's Hospital San Diego); 24240112 (cited by Rady Children's Institute for Genomic Medicine, Rady Children's Hospital San Diego); 24556621 (cited by Rady Children's Institute for Genomic Medicine, Rady Children's Hospital San Diego); 25980754 (cited by Rady Children's Institute for Genomic Medicine, Rady Children's Hospital San Diego); 26822949 (cited by Rady Children's Institute for Genomic Medicine, Rady Children's Hospital San Diego); 34585738 (cited by Rady Children's Institute for Genomic Medicine, Rady Children's Hospital San Diego); 32885271 (cited by Rady Children's Institute for Genomic Medicine, Rady Children's Hospital San Diego); 22006311 (cited by Rady Children's Institute for Genomic Medicine, Rady Children's Hospital San Diego); 26315354 (cited by Rady Children's Institute for Genomic Medicine, Rady Children's Hospital San Diego); PubMed 2455662 (cited by Sema4); PubMed 33471991 (cited by Women's Health and Genetics/Laboratory Corporation of America, LabCorp); PubMed 18978354 (cited by Women's Health and Genetics/Laboratory Corporation of America, LabCorp); PubMed 36988593 (cited by Laboratory for Genotyping Development, RIKEN); PubMed 20639400 (cited by Counsyl).